The following is an entry in ClinVar:

ClinVar aggregate classification (germline): Likely benign (1 of 4 stars; one submission).

Conditions:
ANKFY1-related disorder. Also called: ANKFY1-related condition.

gnomAD v4.1: 152 of 1,614,054 alleles (0.0094%); highest among the groups gnomAD compares: Non-Finnish European, 0.012%; no homozygotes.

Submission:

PreventionGenetics, part of Exact Sciences
Classification: Likely benign for ANKFY1-related condition. Last evaluated: 2025-06-06. Review status: criteria provided, single submitter. Criteria: ACMG Guidelines, 2015. Collection method: clinical testing. Allele origin: germline.
Comment: This variant is classified as likely benign based on ACMG/AMP sequence variant interpretation guidelines (Richards et al. 2015 PMID: 25741868, with internal and published modifications).

NM_001330063.2(ANKFY1):c.2520G>A (p.Pro840=)

Genes: ANKFY1 (ankyrin repeat and FYVE domain containing 1; minus strand), LOC126862466 (MED14-independent group 3 enhancer GRCh37_chr17:4081807-4083006; plus strand). Cytogenetic location: 17p13.2.
Variant type: single nucleotide variant.
Coding change: c.2520G>A on transcript NM_001330063.2 (MANE Select); coding-DNA position 2520, G replaced by A.
Protein change: p.Pro840=; no amino-acid change (proline 840 retained).
Molecular consequence: synonymous variant. On other transcripts: non-coding transcript variant (1).
Genome position (GRCh38, 1-based): chr17:4,178,935, C>T on the plus strand (G>A on the coding strand, the complement: ANKFY1 is on the minus strand). VCF-style: chr17-4178935-C-T. GRCh37 (hg19) VCF-style: chr17-4082230-C-T.
Other names: c.2646G>A, p.Pro882= (NM_001257999.3); c.2523G>A, p.Pro841= (NM_016376.5).
Identifiers: ClinVar variation 4981562 (VCV004981562.1).